The following is an entry in ClinVar:

ClinVar aggregate classification (germline): Uncertain significance (1 of 4 stars; one submission).

Submission:

Labcorp Genetics (formerly Invitae), Labcorp
Classification: Uncertain significance. Last evaluated: 2024-03-12. Review status: criteria provided, single submitter. Criteria: Invitae Variant Classification Sherloc (09022015). Collection method: clinical testing. Allele origin: germline.
Comment: This sequence change replaces phenylalanine, which is neutral and non-polar, with leucine, which is neutral and non-polar, at codon 438 of the PPP2R1A protein (p.Phe438Leu). This variant is not present in population databases (gnomAD no frequency). This variant has not been reported in the literature in individuals affected with PPP2R1A-related conditions. Advanced modeling of protein sequence and biophysical properties (such as structural, functional, and spatial information, amino acid conservation, physicochemical variation, residue mobility, and thermodynamic stability) performed at Invitae indicates that this missense variant is expected to disrupt PPP2R1A protein function with a positive predictive value of 80%. In summary, the available evidence is currently insufficient to determine the role of this variant in disease. Therefore, it has been classified as a Variant of Uncertain Significance.

NM_014225.6(PPP2R1A):c.1312T>C (p.Phe438Leu)

Gene: PPP2R1A (protein phosphatase 2 scaffold subunit Aalpha; plus strand). Cytogenetic location: 19q13.41.
Variant type: single nucleotide variant.
Coding change: c.1312T>C on transcript NM_014225.6 (MANE Select); coding-DNA position 1312, T replaced by C.
Protein change: p.Phe438Leu; replaces phenylalanine 438 with leucine.
Molecular consequence: missense variant. On other transcripts: non-coding transcript variant (1).
Genome position (GRCh38, 1-based): chr19:52,220,198, T>C. VCF-style: chr19-52220198-T-C. GRCh37 (hg19) VCF-style: chr19-52723451-T-C.
Other names: c.775T>C, p.Phe259Leu (NM_001363656.2); short protein forms F438L, F259L.
Identifiers: ClinVar variation 3645626 (VCV003645626.2).